The following is an entry in ClinVar:

NM_001128431.4(SLC39A14):c.448G>A (p.Ala150Thr)

Gene: SLC39A14 (solute carrier family 39 member 14; plus strand). Cytogenetic location: 8p21.3.
Variant type: single nucleotide variant.
Coding change: c.448G>A on transcript NM_001128431.4 (MANE Select); coding-DNA position 448, G replaced by A.
Protein change: p.Ala150Thr; replaces alanine 150 with threonine.
Molecular consequence: missense variant.
Genome position (GRCh38, 1-based): chr8:22,408,487, G>A. VCF-style: chr8-22408487-G-A. GRCh37 (hg19) VCF-style: chr8-22266000-G-A.
Other names: c.448G>A, p.Ala150Thr (NM_001135153.3, NM_001135154.3, NM_001351655.2 and 3 more transcripts); c.478G>A, p.Ala160Thr (NM_001351657.2, NM_001351658.2, NM_001351659.2); short protein forms A150T, A160T.
Identifiers: ClinVar variation 2444796 (VCV002444796.2), dbSNP rs757888834, ClinGen allele CA4667308.
Genomic context (GRCh38, chr8:22,408,487, plus strand): 5'-TGCACCTCGGAGAACCAGGAAAACGAGGAGAATGAGCAGACGGAGGAGGGGCGGCCAAGC[G>A]CTGTTGAAGGTGAGCCAGGCCAGGAAGGCAGGAGCCCATCTCCCATCTCGCCCGCGTCTC-3'
Protein context (NP_001121903.1, residues 140-160): NEQTEEGRPS[Ala150Thr]VEVWGYGLLC

ClinVar aggregate classification (germline): Uncertain significance (1 of 4 stars; one submission).

Allele frequency attached by ClinVar (database versions not stated): ExAC 0.00001; gnomAD exomes 0.00001.
gnomAD v4.1: 20 of 1,612,452 alleles (0.0012%); highest among the groups gnomAD compares: South Asian, 0.0033%; no homozygotes.

Submission:

GeneDx
Classification: Uncertain significance. Last evaluated: 2024-11-12. Review status: criteria provided, single submitter. Criteria: GeneDx Variant Classification Process June 2021. Collection method: clinical testing. Allele origin: germline.
Comment: Not observed at significant frequency in large population cohorts (gnomAD); In silico analysis indicates that this missense variant does not alter protein structure/function; Has not been previously published as pathogenic or benign to our knowledge